The following is an entry in ClinVar:

NM_001378609.3(OTOGL):c.2616C>A (p.Asn872Lys)

Gene: OTOGL (otogelin like; plus strand). Cytogenetic location: 12q21.31.
Variant type: single nucleotide variant.
Coding change: c.2616C>A on transcript NM_001378609.3 (MANE Select); coding-DNA position 2616, C replaced by A.
Protein change: p.Asn872Lys; replaces asparagine 872 with lysine.
Molecular consequence: missense variant.
Genome position (GRCh38, 1-based): chr12:80,271,745, C>A. VCF-style: chr12-80271745-C-A. GRCh37 (hg19) VCF-style: chr12-80665525-C-A.
Other names: c.2616C>A, p.Asn872Lys (NM_001368062.3, NM_001378610.3, NM_173591.7); short protein forms N872K.
Identifiers: ClinVar variation 3366255 (VCV003366255.1).

ClinVar aggregate classification (germline): Uncertain significance (1 of 4 stars; one submission).

Submission:

GeneDx
Classification: Uncertain significance. Last evaluated: 2023-10-20. Review status: criteria provided, single submitter. Criteria: GeneDx Variant Classification Process June 2021. Collection method: clinical testing. Allele origin: germline. Affected: yes.
Comment: Not observed at significant frequency in large population cohorts (gnomAD); In silico analysis supports that this missense variant has a deleterious effect on protein structure/function; Has not been previously published as pathogenic or benign to our knowledge